The following is an entry in ClinVar:

NM_004320.6(ATP2A1):c.2033G>A (p.Arg678His)

Gene: ATP2A1 (ATPase sarcoplasmic/endoplasmic reticulum Ca2+ transporting 1; plus strand). Cytogenetic location: 16p11.2.
Variant type: single nucleotide variant.
Coding change: c.2033G>A on transcript NM_004320.6 (MANE Select); coding-DNA position 2033, G replaced by A.
Protein change: p.Arg678His; replaces arginine 678 with histidine.
Molecular consequence: missense variant.
Genome position (GRCh38, 1-based): chr16:28,900,849, G>A. VCF-style: chr16-28900849-G-A. GRCh37 (hg19) VCF-style: chr16-28912170-G-A.
Other names: c.1658G>A, p.Arg553His (NM_001286075.2); c.2033G>A, p.Arg678His (NM_173201.5); c.2033G>A (NM_173201.3); short protein forms R553H, R678H.
Identifiers: ClinVar variation 2144220 (VCV002144220.5), dbSNP rs746001213, ClinGen allele CA7987152.

ClinVar aggregate classification (germline): Uncertain significance. Review status: criteria provided, multiple submitters, no conflicts (2 of 4 stars). 2 submissions from 2 submitters: Uncertain significance (2). Last evaluated 2025-04-03.

Conditions:
Inborn genetic diseases. Identifiers: MedGen C0950123, MeSH D030342.
Brody myopathy. Also called: BRODY DISEASE. Identifiers: Orphanet 53347, MedGen C1832918, MONDO:0010977, OMIM 601003.

Allele frequency attached by ClinVar (database versions not stated): TOPMed below 0.00001; gnomAD 0.00001; ExAC 0.00007.
gnomAD v4.1: 21 of 1,614,094 alleles (0.0013%); highest among the groups gnomAD compares: East Asian, 0.0067%; no homozygotes.

Submissions (2):

Ambry Genetics
Classification: Uncertain significance for Inborn genetic diseases. Last evaluated: 2025-04-03. Review status: criteria provided, single submitter. Criteria: Ambry Variant Classification Scheme 2023. Collection method: clinical testing. Allele origin: germline.

Labcorp Genetics (formerly Invitae), Labcorp
Classification: Uncertain significance for Brody myopathy. Last evaluated: 2022-05-29. Review status: criteria provided, single submitter. Criteria: Invitae Variant Classification Sherloc (09022015). Collection method: clinical testing. Allele origin: germline.
Comment: This sequence change replaces arginine, which is basic and polar, with histidine, which is basic and polar, at codon 678 of the ATP2A1 protein (p.Arg678His). This variant is present in population databases (rs746001213, gnomAD 0.005%). This variant has not been reported in the literature in individuals affected with ATP2A1-related conditions. Algorithms developed to predict the effect of missense changes on protein structure and function are either unavailable or do not agree on the potential impact of this missense change (SIFT: "Deleterious"; PolyPhen-2: "Probably Damaging"; Align-GVGD: "Class C0"). In summary, the available evidence is currently insufficient to determine the role of this variant in disease. Therefore, it has been classified as a Variant of Uncertain Significance.